The following is an entry in ClinVar:

ClinVar aggregate classification (germline): Pathogenic/Likely pathogenic. Review status: criteria provided, multiple submitters, no conflicts (2 of 4 stars). 3 submissions from 3 submitters: Pathogenic (1); Likely pathogenic (2). Last evaluated 2025-05-28.

Conditions:
DNAAF11-related disorder. Also called: DNAAF11-related condition.
Primary ciliary dyskinesia. Also called: Ciliary dyskinesia. Identifiers: Orphanet 244, MedGen C0008780, MONDO:0016575, HP:0012265.

Submissions (3):

Ambry Genetics
Classification: Likely pathogenic for Primary ciliary dyskinesia. Last evaluated: 2025-05-28. Review status: criteria provided, single submitter. Criteria: Ambry Variant Classification Scheme 2023. Collection method: clinical testing. Allele origin: germline.
Comment: The c.178+2T>A intronic variant results from a T to A substitution two nucleotides after coding exon 2 in the LRRC6 gene. Alterations that disrupt the canonical splice site are expected to result in aberrant splicing. In silico splice site analysis predicts that this alteration will weaken the native splice donor site. A resulting transcript is predicted to be in-frame and is not expected to trigger nonsense-mediated mRNA decay; although, direct evidence is unavailable. However, this variant has been identified in the homozygous state in individual(s) with features consistent with pulmonary ciliary dyskinesia (Ambry internal data). This variant is considered to be rare based on population cohorts in the Genome Aggregation Database (gnomAD). This nucleotide position is highly conserved in available vertebrate species. Based on the majority of available evidence to date, this variant is likely to be pathogenic.

PreventionGenetics, part of Exact Sciences
Classification: Likely pathogenic for DNAAF11-related condition. Last evaluated: 2025-02-27. Review status: criteria provided, single submitter. Criteria: ACMG Guidelines, 2015. Collection method: clinical testing. Allele origin: germline.
Comment: The DNAAF11 c.178+2T>A variant is predicted to disrupt the GT donor site and interfere with normal splicing. To our knowledge, this variant has not been reported in the literature or in a large population database (gnomAD), indicating this variant is rare. Variants that disrupt the consensus splice donor site in DNAAF11 are expected to be pathogenic. This variant is interpreted as likely pathogenic.

Mayo Clinic Laboratories, Mayo Clinic
Classification: Pathogenic. Last evaluated: 2025-01-29. Review status: criteria provided, single submitter. Criteria: ACMG Guidelines, 2015. Collection method: clinical testing. Allele origin: germline. Observed: 1 variant allele.
Comment: PM2_supporting, PM3_supporting, PVS1

NM_012472.6(DNAAF11):c.178+2T>A

Gene: DNAAF11 (dynein axonemal assembly factor 11; minus strand). Cytogenetic location: 8q24.22.
Variant type: single nucleotide variant.
Coding change: c.178+2T>A on transcript NM_012472.6 (MANE Select); the canonical splice donor site of the intron after coding-DNA position 178, T replaced by A.
Molecular consequence: splice donor variant. On other transcripts: intron variant (1).
Genome position (GRCh38, 1-based): chr8:132,661,458, A>T on the plus strand (T>A on the coding strand, the complement: DNAAF11 is on the minus strand). VCF-style: chr8-132661458-A-T. GRCh37 (hg19) VCF-style: chr8-133673704-A-T.
Other names: c.10+14026T>A (NM_001321962.2); c.178+2T>A (NM_001321961.2, NM_012472.5); c.-183+2T>A (NM_001321966.2, NM_001321963.2, NM_001321964.2); c.-496+2T>A (NM_001321965.2).
Identifiers: ClinVar variation 4012469 (VCV004012469.2).